The following is an entry in ClinVar:

NM_000361.3(THBD):c.1100A>C (p.Asp367Ala)

Gene: THBD (thrombomodulin; minus strand). Cytogenetic location: 20p11.21.
Variant type: single nucleotide variant.
Coding change: c.1100A>C on transcript NM_000361.3 (MANE Select); coding-DNA position 1100, A replaced by C.
Protein change: p.Asp367Ala; replaces aspartic acid 367 with alanine.
Molecular consequence: missense variant.
Genome position (GRCh38, 1-based): chr20:23,048,405, T>G on the plus strand (A>C on the coding strand, the complement: THBD is on the minus strand). VCF-style: chr20-23048405-T-G. GRCh37 (hg19) VCF-style: chr20-23029042-T-G.
Other names: short protein forms D367A.
Identifiers: ClinVar variation 4280422 (VCV004280422.1).

ClinVar aggregate classification (germline): Uncertain significance (1 of 4 stars; one submission).

Conditions:
Thrombomodulin-related bleeding disorder (THPH12). Also called: Thrombophilia due to thrombomodulin defect. Identifiers: Orphanet 436169, MedGen C3280976, MONDO:0013775, OMIM 614486.

Submission:

Genomenon, Inc
Classification: Uncertain significance for Thrombomodulin-related bleeding disorder. Last evaluated: 2025-09-22. Review status: criteria provided, single submitter. Criteria: Genomenon Sequence Variant Interpretation Standards - Updated. Collection method: curation. Allele origin: germline. Affected: no.
Comment: THBD p.Asp367Ala (c.1100A>C) is a missense variant that changes the amino acid at residue 367 from Aspartic acid to Alanine. This variant has been reported in the published literature (PMID:8381415;10801821). It is absent or not present at a significant frequency in gnomAD. In conclusion, we classify THBD p.Asp367Ala (c.1100A>C) as a variant of unknown significance.

Literature cited by the submitters: PubMed 8381415; PubMed 10801821.